The following is an entry in ClinVar:

NM_006662.3(SRCAP):c.6710A>C (p.Gln2237Pro)

Gene: SRCAP (Snf2 related CREBBP activator protein; plus strand). Cytogenetic location: 16p11.2.
Variant type: single nucleotide variant.
Coding change: c.6710A>C on transcript NM_006662.3 (MANE Select); coding-DNA position 6710, A replaced by C.
Protein change: p.Gln2237Pro; replaces glutamine 2237 with proline.
Molecular consequence: missense variant.
Genome position (GRCh38, 1-based): chr16:30,734,596, A>C. VCF-style: chr16-30734596-A-C. GRCh37 (hg19) VCF-style: chr16-30745917-A-C.
Other names: p.Gln2237Pro; short protein forms Q2237P.
Identifiers: ClinVar variation 1710499 (VCV001710499.3), dbSNP rs2506715401, ClinGen allele CA395627634.

ClinVar aggregate classification (germline): Uncertain significance (1 of 4 stars; one submission).

Conditions:
Floating-Harbor syndrome (FLHS). Also called: SRCAP-Related Floating-Harbor Syndrome; Short stature with delayed bone age, expressive language delay, a triangular face with a prominent nose and deep-set eyes; Pelletier-Leisti syndrome. Identifiers: Orphanet 2044, MedGen C0729582, MONDO:0007621, OMIM 136140.

Submission:

Foundation for Research in Genetics and Endocrinology, FRIGE's Institute of Human Genetics
Classification: Uncertain significance for Floating-Harbor syndrome. Last evaluated: 2021-07-17. Review status: criteria provided, single submitter. Criteria: ACMG Guidelines, 2015. Collection method: research. Allele origin: paternal. Inheritance: Autosomal dominant inheritance. Affected: yes. Observed: 1 heterozygote.
Comment: A heterozygous missense variation in exon 31 of the SRCAP gene that results in the amino acid substitution of Proline for Glutamine at codon 2237 was detected. The observed variant c.6710A>C (p.Gln2237Pro) has not been reported in the 1000 genomes and gnomAD databases. The in silico prediction of the variant are probably damaging by PolyPhen-2 (HumDiv) and damaging by SIFT and MutationTaster2. The reference codon is conserved across species. In summary, the variant meets our criteria to be classified as variant of uncertain significance.